The following is an entry in ClinVar:

ClinVar aggregate classification (germline): Likely pathogenic (1 of 4 stars; one submission).

Allele frequency attached by ClinVar (database versions not stated): gnomAD exomes below 0.00001 and 0.00001; ExAC 0.00001.

Submission:

CeGaT Center for Human Genetics Tuebingen
Classification: Likely pathogenic. Last evaluated: 2025-06-01. Review status: criteria provided, single submitter. Criteria: CeGaT Center For Human Genetics Tuebingen Variant Classification Criteria Version 2. Collection method: clinical testing. Allele origin: germline. Affected: yes. Observed: 2 variant alleles.
Comment: DRP2: PVS1:Strong, PM2, PS4:Supporting

NM_001939.3(DRP2):c.379del (p.Ala127fs)

Gene: DRP2 (dystrophin related protein 2; plus strand). Cytogenetic location: Xq22.1.
Variant type: Deletion.
Coding change: c.379del on transcript NM_001939.3 (MANE Select); coding-DNA position 379, one base deleted (G; older notation c.379delG).
Protein change: p.Ala127fs; shifts the reading frame from alanine 127.
Molecular consequence: frameshift variant.
Genome position (GRCh38, 1-based): chrX:101,237,716, G deleted. VCF-style (leftmost placement, unchanged base first): chrX-101237715-AG-A. GRCh37 (hg19) VCF-style: chrX-100492704-AG-A.
Other names: c.145del, p.Ala49fs (NM_001171184.2); short protein forms A49fs, A127fs.
Identifiers: ClinVar variation 493540 (VCV000493540.43), dbSNP rs753185936, ClinGen allele CA10472054.
Genomic context (GRCh38, chrX:101,237,715, plus strand): 5'-GCTTCAGCTCCCTCTTCAAGAGATTATTGACTGGCTCAGCCAAAAGGATGAGGAGTTGTC[AG>A]CTCAGCTGCCCCTACAGGGGGATGTGGCCCTGGTGCAACAGGAGAAGGAGACACATGCGG-3'